The following is an entry in ClinVar:

NM_000379.4(XDH):c.469C>T (p.Leu157Phe)

Gene: XDH (xanthine dehydrogenase; minus strand). Cytogenetic location: 2p23.1.
Variant type: single nucleotide variant.
Coding change: c.469C>T on transcript NM_000379.4 (MANE Select); coding-DNA position 469, C replaced by T.
Protein change: p.Leu157Phe; replaces leucine 157 with phenylalanine.
Molecular consequence: missense variant.
Genome position (GRCh38, 1-based): chr2:31,397,694, G>A on the plus strand (C>T on the coding strand, the complement: XDH is on the minus strand). VCF-style: chr2-31397694-G-A. GRCh37 (hg19) VCF-style: chr2-31620560-G-A.
Other names: short protein forms L157F.
Identifiers: ClinVar variation 1983748 (VCV001983748.4), dbSNP rs777853382, ClinGen allele CA1599623.

ClinVar aggregate classification (germline): Uncertain significance (1 of 4 stars; one submission).

Conditions:
Xanthinuria type II. Also called: Xanthine dehydrogenase and aldehyde oxidase combined deficiency of; XDH and AOX dual deficiency. Identifiers: Orphanet 3467, Orphanet 93602, MedGen C1863688, MONDO:0011346, OMIM 603592.

Allele frequency attached by ClinVar (database versions not stated): TOPMed below 0.00001; gnomAD 0.00001; gnomAD exomes 0.00001; ExAC 0.00002.

Submission:

Labcorp Genetics (formerly Invitae), Labcorp
Classification: Uncertain significance for Xanthinuria type II. Last evaluated: 2022-07-22. Review status: criteria provided, single submitter. Criteria: Invitae Variant Classification Sherloc (09022015). Collection method: clinical testing. Allele origin: germline.
Comment: In summary, the available evidence is currently insufficient to determine the role of this variant in disease. Therefore, it has been classified as a Variant of Uncertain Significance. Algorithms developed to predict the effect of missense changes on protein structure and function are either unavailable or do not agree on the potential impact of this missense change (SIFT: "Deleterious"; PolyPhen-2: "Probably Damaging"; Align-GVGD: "Class C15"). This variant has not been reported in the literature in individuals affected with XDH-related conditions. This variant is present in population databases (rs777853382, gnomAD 0.005%). This sequence change replaces leucine, which is neutral and non-polar, with phenylalanine, which is neutral and non-polar, at codon 157 of the XDH protein (p.Leu157Phe).